The following is an entry in ClinVar:

ClinVar aggregate classification (germline): Uncertain significance (1 of 4 stars; one submission).

Submission:

Labcorp Genetics (formerly Invitae), Labcorp
Classification: Uncertain significance. Last evaluated: 2022-06-07. Review status: criteria provided, single submitter. Criteria: Invitae Variant Classification Sherloc (09022015). Collection method: clinical testing. Allele origin: germline.
Comment: In summary, the available evidence is currently insufficient to determine the role of this variant in disease. Therefore, it has been classified as a Variant of Uncertain Significance. This sequence change replaces arginine, which is basic and polar, with glycine, which is neutral and non-polar, at codon 1862 of the RP1 protein (p.Arg1862Gly). This variant is not present in population databases (gnomAD no frequency). This variant has not been reported in the literature in individuals affected with RP1-related conditions. Algorithms developed to predict the effect of missense changes on protein structure and function are either unavailable or do not agree on the potential impact of this missense change (SIFT: "Deleterious"; PolyPhen-2: "Benign"; Align-GVGD: "Class C0").

NM_006269.2(RP1):c.5584A>G (p.Arg1862Gly)

Genes: RP1 (RP1 axonemal microtubule associated; plus strand), LOC126860392 (CDK7 strongly-dependent group 2 enhancer GRCh37_chr8:55541319-55542518; plus strand). Cytogenetic location: 8q12.1.
Variant type: single nucleotide variant.
Coding change: c.5584A>G on transcript NM_006269.2 (MANE Select); coding-DNA position 5584, A replaced by G.
Protein change: p.Arg1862Gly; replaces arginine 1862 with glycine.
Molecular consequence: missense variant. On other transcripts: intron variant (1).
Genome position (GRCh38, 1-based): chr8:54,629,466, A>G. VCF-style: chr8-54629466-A-G. GRCh37 (hg19) VCF-style: chr8-55542026-A-G.
Other names: c.787+7178A>G (NM_001375654.1); short protein forms R1862G.
Identifiers: ClinVar variation 2002591 (VCV002002591.4), dbSNP rs2536590314, ClinGen allele CA370987310.
Genomic context (GRCh38, chr8:54,629,466, plus strand): 5'-TGTGCCAAGGAAAGAATAGCAAATCATCATACAGAGGAGAAGGGTAGTCATCAGTCAGAA[A>G]GAGTATGCACATCTGTCACTCATTCCTTTATTTCTGCTGGTAACAAAGTCTACCCTGTCT-3'
Protein context (NP_006260.1, residues 1852-1872): TEEKGSHQSE[Arg1862Gly]VCTSVTHSFI